The following is an entry in ClinVar:

ClinVar aggregate classification (germline): Uncertain significance (1 of 4 stars; one submission).

Allele frequency attached by ClinVar (database versions not stated): gnomAD exomes 0.00002; ExAC 0.00003; TOPMed 0.00003; gnomAD 0.00005 and 0.00006; ESP Exome Variant Server 0.00008.
gnomAD v4.1: 52 of 1,613,642 alleles (0.0032%); highest among the groups gnomAD compares: Non-Finnish European, 0.0042%; no homozygotes.

Submission:

Labcorp Genetics (formerly Invitae), Labcorp
Classification: Uncertain significance. Last evaluated: 2022-05-07. Review status: criteria provided, single submitter. Criteria: Invitae Variant Classification Sherloc (09022015). Collection method: clinical testing. Allele origin: germline.
Comment: This sequence change replaces proline, which is neutral and non-polar, with threonine, which is neutral and polar, at codon 954 of the PCLO protein (p.Pro954Thr). This variant is present in population databases (rs368056917, gnomAD 0.006%). This variant has not been reported in the literature in individuals affected with PCLO-related conditions. Algorithms developed to predict the effect of missense changes on protein structure and function output the following: SIFT: "Tolerated"; PolyPhen-2: "Not Available"; Align-GVGD: "Class C0". The threonine amino acid residue is found in multiple mammalian species, which suggests that this missense change does not adversely affect protein function. In summary, the available evidence is currently insufficient to determine the role of this variant in disease. Therefore, it has been classified as a Variant of Uncertain Significance.

NM_033026.6(PCLO):c.2860C>A (p.Pro954Thr)

Gene: PCLO (piccolo presynaptic cytomatrix protein; minus strand). Cytogenetic location: 7q21.11.
Variant type: single nucleotide variant.
Coding change: c.2860C>A on transcript NM_033026.6 (MANE Select); coding-DNA position 2860, C replaced by A.
Protein change: p.Pro954Thr; replaces proline 954 with threonine.
Molecular consequence: missense variant.
Genome position (GRCh38, 1-based): chr7:83,134,690, G>T on the plus strand (C>A on the coding strand, the complement: PCLO is on the minus strand). VCF-style: chr7-83134690-G-T. GRCh37 (hg19) VCF-style: chr7-82764006-G-T.
Other names: c.2860C>A, p.Pro954Thr (NM_014510.3); short protein forms P954T.
Identifiers: ClinVar variation 1477018 (VCV001477018.6), dbSNP rs368056917, ClinGen allele CA4321181.
Genomic context (GRCh38, chr7:83,134,690, plus strand): 5'-GTGGCTGTGAAGGGGCAGGGGCTTGTTTCATTGGGGCCCCTGGTCCACTTTGTGAATGAG[G>T]TCCAGGTTGGCCTGCAGTGGAAATTAAATTTGATGCCTGGCTGAAGATTGATGCTCCAAA-3'
Protein context (NP_149015.2, residues 944-964): NLISTAGQPG[Pro954Thr]HSQSGPGAPM